The following is an entry in ClinVar:

NM_003072.5(SMARCA4):c.1141C>T (p.Arg381Ter)

Gene: SMARCA4 (SWI/SNF related BAF chromatin remodeling complex subunit ATPase 4; plus strand). Cytogenetic location: 19p13.2.
Variant type: single nucleotide variant.
Coding change: c.1141C>T on transcript NM_003072.5 (MANE Select); coding-DNA position 1141, C replaced by T.
Protein change: p.Arg381Ter; replaces arginine 381 with a stop codon.
Molecular consequence: nonsense. On other transcripts: non-coding transcript variant (1).
Genome position (GRCh38, 1-based): chr19:10,989,339, C>T. VCF-style: chr19-10989339-C-T. GRCh37 (hg19) VCF-style: chr19-11100015-C-T.
Other names: c.1141C>T, p.Arg381Ter (NM_001128844.3, NM_001128845.2, NM_001128846.2 and 5 more transcripts); short protein forms R381*.
Identifiers: ClinVar variation 470230 (VCV000470230.54), dbSNP rs972341316, ClinGen allele CA305288263.

ClinVar aggregate classification (germline): Pathogenic. Review status: criteria provided, multiple submitters, no conflicts (2 of 4 stars). 5 submissions from 5 submitters: Pathogenic (4). 1 of the submissions does not count toward it. Last evaluated 2023-09-01.

Conditions:
Rhabdoid tumor predisposition syndrome 2 (RTPS2). Identifiers: Orphanet 231108, Orphanet 69077, MedGen C2750074, MONDO:0013224, OMIM 613325.
SMARCA4-related disorder. Also called: SMARCA4-related condition.
Hereditary cancer-predisposing syndrome. Also called: Hereditary neoplastic syndrome; Tumor predisposition; Neoplastic Syndromes, Hereditary; Hereditary Cancer Syndrome. Identifiers: Orphanet 140162, MedGen C0027672, MeSH D009386, MONDO:0015356.

Allele frequency attached by ClinVar (database versions not stated): gnomAD exomes below 0.00001.
gnomAD v4.1: 1 of 1,614,068 alleles (0.000062%); highest among the groups gnomAD compares: East Asian, 0.0022%; no homozygotes.

Submissions (5):

Ambry Genetics
Classification: Pathogenic for Hereditary cancer-predisposing syndrome. Last evaluated: 2023-09-01. Review status: criteria provided, single submitter. Criteria: Ambry Variant Classification Scheme 2023. Collection method: clinical testing. Allele origin: germline.
Comment: The p.R381* pathogenic mutation (also known as c.1141C>T), located in coding exon 6 of the SMARCA4 gene, results from a C to T substitution at nucleotide position 1141. This changes the amino acid from an arginine to a stop codon within coding exon 6. This variant is considered to be rare based on population cohorts in the Genome Aggregation Database (gnomAD). This alteration is expected to result in loss of function by premature protein truncation or nonsense-mediated mRNA decay. Loss-of-function variants in SMARCA4 are known to cause rhabdoid tumor predisposition syndrome including small cell carcinoma of the ovary-hypercalcemic type (SCCOHT); however, such associations with neurodevelopmental disorders are exceedingly rare (Kosho T et al. Am J Med Genet C Semin Med Genet. 2014 Sep;166C(3):262-75; Jelinic P et al. Nat Genet. 2014 May;46(5):424-6). Based on the supporting evidence, this alteration is pathogenic for rhabdoid tumor predisposition syndrome; however, the association of this alteration with Coffin-Siris syndrome is unlikely.

PreventionGenetics, part of Exact Sciences
Classification: Pathogenic for SMARCA4-related condition. Last evaluated: 2023-06-08. Review status: criteria provided, single submitter. Criteria: ACMG Guidelines, 2015. Collection method: clinical testing. Allele origin: germline.
Comment: The SMARCA4 c.1141C>T variant is predicted to result in premature protein termination (p.Arg381*). This variant was reported in an individual with small cell carcinoma of the ovary, hypercalcemic type (Witkowski et al. 2014. PubMed ID: 24658002). This variant has not been reported in a large population database, indicating this variant is rare. Loss-of-function variants in SMARCA4 are expected to be pathogenic for rhabdoid tumor predisposition syndrome; however, the association of loss-of-function variants with Coffin-Siris syndrome is currently uncertain. This variant is interpreted as pathogenic.

CeGaT Center for Human Genetics Tuebingen
Classification: Pathogenic. Last evaluated: 2018-10-01. Review status: criteria provided, single submitter. Criteria: CeGaT Center For Human Genetics Tuebingen Variant Classification Criteria Version 2. Collection method: clinical testing. Allele origin: germline. Affected: yes. Observed: 2 variant alleles.

Labcorp Genetics (formerly Invitae), Labcorp
Classification: Pathogenic for Rhabdoid tumor predisposition syndrome 2. Last evaluated: 2017-07-06. Review status: criteria provided, single submitter. Criteria: Invitae Variant Classification Sherloc (09022015). Collection method: clinical testing. Allele origin: germline.
Comment: Loss-of-function variants in SMARCA4 are known to be pathogenic. This particular variant has been reported in the literature in an individual affected with small cell carcinoma of the ovary (PMID: 24658002). For these reasons, this variant has been classified as Pathogenic. This sequence change creates a premature translational stop signal at codon 381 (p.Arg381*) of the SMARCA4 gene. It is expected to result in an absent or disrupted protein product.

Cancer Genomics Laboratory, Texas Children's Hospital
Classification: Pathogenic for Rhabdoid tumor predisposition syndrome 2. Last evaluated: 2018-06-01. Review status: no assertion criteria provided. Collection method: clinical testing. Allele origin: germline. Affected: yes. Observed: 1 variant allele. Not counted in ClinVar's aggregate classification.

Literature cited by the submitters: PubMed 24658002 (cited by 3 submitters).